The following is an entry in ClinVar:

ClinVar aggregate classification (germline): Uncertain significance (1 of 4 stars; one submission).

gnomAD v4.1: 32 of 1,546,712 alleles (0.0021%); highest among the groups gnomAD compares: Admixed American, 0.063%; no homozygotes.

Submission:

GeneDx
Classification: Uncertain significance. Last evaluated: 2023-07-27. Review status: criteria provided, single submitter. Criteria: GeneDx Variant Classification Process June 2021. Collection method: clinical testing. Allele origin: germline. Affected: yes.
Comment: Has not been previously published as pathogenic or benign to our knowledge; In silico analysis supports that this missense variant has a deleterious effect on protein structure/function

NM_001367624.2(ZNF469):c.2145C>A (p.His715Gln)

Gene: ZNF469 (zinc finger protein 469; plus strand). Cytogenetic location: 16q24.2.
Variant type: single nucleotide variant.
Coding change: c.2145C>A on transcript NM_001367624.2 (MANE Select); coding-DNA position 2145, C replaced by A.
Protein change: p.His715Gln; replaces histidine 715 with glutamine.
Molecular consequence: missense variant.
Genome position (GRCh38, 1-based): chr16:88,429,615, C>A. VCF-style: chr16-88429615-C-A. GRCh37 (hg19) VCF-style: chr16-88496023-C-A.
Other names: NM_001127464.1:c.2145C>A; short protein forms H715Q.
Identifiers: ClinVar variation 3361663 (VCV003361663.1).